The following is an entry in ClinVar:

ClinVar aggregate classification (germline): Uncertain significance (1 of 4 stars; one submission).

Conditions:
Facioscapulohumeral muscular dystrophy 2 (FSHD2). Also called: MUSCULAR DYSTROPHY, FACIOSCAPULOHUMERAL, TYPE 1B; FACIOSCAPULOHUMERAL MUSCULAR DYSTROPHY 2, DIGENIC; FSHD2, DIGENIC. Identifiers: Orphanet 269, MedGen C1834671, MONDO:0008031, OMIM 158901.

gnomAD v4.1: 7 of 1,612,512 alleles (0.00043%); highest among the groups gnomAD compares: African/African-American, 0.0013%; no homozygotes.

Submission:

Labcorp Genetics (formerly Invitae), Labcorp
Classification: Uncertain significance for Facioscapulohumeral muscular dystrophy 2. Last evaluated: 2024-11-19. Review status: criteria provided, single submitter. Criteria: Invitae Variant Classification Sherloc (09022015). Collection method: clinical testing. Allele origin: germline.
Comment: This sequence change replaces proline, which is neutral and non-polar, with alanine, which is neutral and non-polar, at codon 1228 of the SMCHD1 protein (p.Pro1228Ala). This variant is present in population databases (rs774657148, gnomAD 0.003%). This variant has not been reported in the literature in individuals affected with SMCHD1-related conditions. Invitae Evidence Modeling of protein sequence and biophysical properties (such as structural, functional, and spatial information, amino acid conservation, physicochemical variation, residue mobility, and thermodynamic stability) indicates that this missense variant is not expected to disrupt SMCHD1 protein function with a negative predictive value of 80%. In summary, the available evidence is currently insufficient to determine the role of this variant in disease. Therefore, it has been classified as a Variant of Uncertain Significance.

NM_015295.3(SMCHD1):c.3682C>G (p.Pro1228Ala)

Gene: SMCHD1 (structural maintenance of chromosomes flexible hinge domain containing 1; plus strand). Cytogenetic location: 18p11.32.
Variant type: single nucleotide variant.
Coding change: c.3682C>G on transcript NM_015295.3 (MANE Select); coding-DNA position 3682, C replaced by G.
Protein change: p.Pro1228Ala; replaces proline 1228 with alanine.
Molecular consequence: missense variant.
Genome position (GRCh38, 1-based): chr18:2,743,809, C>G. VCF-style: chr18-2743809-C-G. GRCh37 (hg19) VCF-style: chr18-2743807-C-G.
Other names: short protein forms P1228A.
Identifiers: ClinVar variation 3630207 (VCV003630207.2).
Genomic context (GRCh38, chr18:2,743,809, plus strand): 5'-TTTCCTCACTAGGAAAACACACAGAGTATAAGTGTAAGAGGCATCAAATTTATTCCAGGT[C>G]CTCCTGGAAATAAGGATCTTTGTTTTACTTGGCGTGAGTTTTCTGACTTTATTCGAGTGC-3'
Protein context (NP_056110.2, residues 1218-1238): SVRGIKFIPG[Pro1228Ala]PGNKDLCFTW